The following is an entry in ClinVar:

NM_005264.8(GFRA1):c.788T>G (p.Phe263Cys)

Gene: GFRA1 (GDNF family receptor alpha 1; minus strand). Cytogenetic location: 10q25.3.
Variant type: single nucleotide variant.
Coding change: c.788T>G on transcript NM_005264.8 (MANE Select); coding-DNA position 788, T replaced by G.
Protein change: p.Phe263Cys; replaces phenylalanine 263 with cysteine.
Molecular consequence: missense variant.
Genome position (GRCh38, 1-based): chr10:116,096,747, A>C on the plus strand (T>G on the coding strand, the complement: GFRA1 is on the minus strand). VCF-style: chr10-116096747-A-C. GRCh37 (hg19) VCF-style: chr10-117856258-A-C.
Other names: c.773T>G, p.Phe258Cys (NM_001145453.4, NM_001348096.3, NM_001382556.2 and 6 more transcripts); c.788T>G, p.Phe263Cys (NM_001348098.4); c.425T>G, p.Phe142Cys (NM_001348099.3); short protein forms F263C, F142C, F258C.
Identifiers: ClinVar variation 5007552 (VCV005007552.2).

ClinVar aggregate classification (germline): Uncertain significance (1 of 4 stars; one submission).

Conditions:
Renal hypodysplasia/aplasia 4. Identifiers: MedGen C5676993, MONDO:0030822, OMIM 619887.

Submission:

Juno Genomics, Hangzhou Juno Genomics, Inc
Classification: Uncertain significance for Renal hypodysplasia/aplasia 4. Review status: criteria provided, single submitter. Criteria: ACMG Guidelines, 2015. Collection method: clinical testing. Allele origin: germline.
Comment: Absent from controls (or at extremely low frequency if recessive) in Genome Aggregation Database.;Multiple lines of computational evidence support a deleterious effect on the gene or gene product.